The following is an entry in ClinVar:

NM_002485.5(NBN):c.1192C>T (p.Gln398Ter)

Gene: NBN (nibrin; minus strand). Cytogenetic location: 8q21.3.
Variant type: single nucleotide variant.
Coding change: c.1192C>T on transcript NM_002485.5 (MANE Select); coding-DNA position 1192, C replaced by T.
Protein change: p.Gln398Ter; replaces glutamine 398 with a stop codon.
Molecular consequence: nonsense.
Genome position (GRCh38, 1-based): chr8:89,955,488, G>A on the plus strand (C>T on the coding strand, the complement: NBN is on the minus strand). VCF-style: chr8-89955488-G-A. GRCh37 (hg19) VCF-style: chr8-90967716-G-A.
Other names: c.946C>T, p.Gln316Ter (NM_001024688.3); short protein forms Q316*, Q398*.
Identifiers: ClinVar variation 1076558 (VCV001076558.7), dbSNP rs2129721263, ClinGen allele CA371656388.

ClinVar aggregate classification (germline): Pathogenic (1 of 4 stars; one submission).

Conditions:
Microcephaly, normal intelligence and immunodeficiency (NBS). Also called: SEEMANOVA SYNDROME II; Immunodeficiency, microcephaly with normal intelligence; IMMUNODEFICIENCY, MICROCEPHALY, AND CHROMOSOMAL INSTABILITY; Ataxia telangiectasia variant V1; BERLIN BREAKAGE SYNDROME; Nijmegen breakage syndrome. Identifiers: Orphanet 647, MedGen C0398791, MONDO:0009623, OMIM 251260.

Submission:

Labcorp Genetics (formerly Invitae), Labcorp
Classification: Pathogenic for Microcephaly, normal intelligence and immunodeficiency. Last evaluated: 2021-10-18. Review status: criteria provided, single submitter. Criteria: Invitae Variant Classification Sherloc (09022015). Collection method: clinical testing. Allele origin: germline.
Comment: This sequence change creates a premature translational stop signal (p.Gln398*) in the NBN gene. It is expected to result in an absent or disrupted protein product. Loss-of-function variants in NBN are known to be pathogenic (PMID: 9590180, 16415040). This variant is not present in population databases (gnomAD no frequency). This variant has not been reported in the literature in individuals affected with NBN-related conditions. ClinVar contains an entry for this variant (Variation ID: 1076558). For these reasons, this variant has been classified as Pathogenic.

Literature cited by the submitters: PubMed 9590180; PubMed 16415040.